The following is an entry in ClinVar:

ClinVar aggregate classification (germline): Uncertain significance. Review status: criteria provided, multiple submitters, no conflicts (2 of 4 stars). 2 submissions from 2 submitters: Uncertain significance (2). Last evaluated 2024-05-26.

Conditions:
Hereditary spastic paraplegia 54. Also called: Spastic paraplegia 54, autosomal recessive. Identifiers: Orphanet 320380, MedGen C3539495, MONDO:0014018, OMIM 615033.
Inborn genetic diseases. Identifiers: MedGen C0950123, MeSH D030342.

Allele frequency attached by ClinVar (database versions not stated): gnomAD exomes below 0.00001 and 0.00002; ExAC 0.00002; TOPMed 0.00002; gnomAD 0.00003.
gnomAD v4.1: 10 of 1,612,770 alleles (0.00062%); highest among the groups gnomAD compares: East Asian, 0.018%; no homozygotes.

Submissions (2):

Ambry Genetics
Classification: Uncertain significance for Inborn genetic diseases. Last evaluated: 2024-05-26. Review status: criteria provided, single submitter. Criteria: Ambry Variant Classification Scheme 2023. Collection method: clinical testing. Allele origin: germline.

Labcorp Genetics (formerly Invitae), Labcorp
Classification: Uncertain significance for Hereditary spastic paraplegia 54. Last evaluated: 2022-03-22. Review status: criteria provided, single submitter. Criteria: Invitae Variant Classification Sherloc (09022015). Collection method: clinical testing. Allele origin: germline.
Comment: In summary, the available evidence is currently insufficient to determine the role of this variant in disease. Therefore, it has been classified as a Variant of Uncertain Significance. Algorithms developed to predict the effect of missense changes on protein structure and function are either unavailable or do not agree on the potential impact of this missense change (SIFT: "Deleterious"; PolyPhen-2: "Probably Damaging"; Align-GVGD: "Class C0"). This variant has not been reported in the literature in individuals affected with DDHD2-related conditions. This variant is present in population databases (rs746480457, gnomAD 0.04%). This sequence change replaces valine, which is neutral and non-polar, with methionine, which is neutral and non-polar, at codon 543 of the DDHD2 protein (p.Val543Met).

NM_015214.3(DDHD2):c.1627G>A (p.Val543Met)

Gene: DDHD2 (DDHD domain containing 2; plus strand). Cytogenetic location: 8p11.23.
Variant type: single nucleotide variant.
Coding change: c.1627G>A on transcript NM_015214.3 (MANE Select); coding-DNA position 1627, G replaced by A.
Protein change: p.Val543Met; replaces valine 543 with methionine.
Molecular consequence: missense variant. On other transcripts: non-coding transcript variant (2).
Genome position (GRCh38, 1-based): chr8:38,252,731, G>A. VCF-style: chr8-38252731-G-A. GRCh37 (hg19) VCF-style: chr8-38110249-G-A.
Other names: c.1627G>A (NM_015214.2); c.1627G>A, p.Val543Met (NM_001164232.2, NM_001362911.2, NM_001362912.2 and 1 more transcripts); c.1537G>A, p.Val513Met (NM_001362913.2); short protein forms V513M, V543M.
Identifiers: ClinVar variation 1410037 (VCV001410037.7), dbSNP rs746480457, ClinGen allele CA4716331.